The following is an entry in ClinVar:

NM_198565.3(NRROS):c.1907G>A (p.Gly636Asp)

Gene: NRROS (negative regulator of reactive oxygen species; plus strand). Cytogenetic location: 3q29.
Variant type: single nucleotide variant.
Coding change: c.1907G>A on transcript NM_198565.3 (MANE Select); coding-DNA position 1907, G replaced by A.
Protein change: p.Gly636Asp; replaces glycine 636 with aspartic acid.
Molecular consequence: missense variant.
Genome position (GRCh38, 1-based): chr3:196,661,550, G>A. VCF-style: chr3-196661550-G-A. GRCh37 (hg19) VCF-style: chr3-196388421-G-A.
Other names: short protein forms G636D.
Identifiers: ClinVar variation 3407892 (VCV003407892.2).

ClinVar aggregate classification (germline): Uncertain significance. Review status: criteria provided, multiple submitters, no conflicts (2 of 4 stars). 2 submissions from 2 submitters: Uncertain significance (2). Last evaluated 2024-07-14.

Conditions:
Seizures, early-onset, with neurodegeneration and brain calcifications. Identifiers: MedGen C5394359, MONDO:0030033, OMIM 618875.
Inborn genetic diseases. Identifiers: MedGen C0950123, MeSH D030342.

Submissions (2):

Ambry Genetics
Classification: Uncertain significance for Inborn genetic diseases. Last evaluated: 2024-07-14. Review status: criteria provided, single submitter. Criteria: Ambry Variant Classification Scheme 2023. Collection method: clinical testing. Allele origin: germline.

Laboratorio de Genetica e Diagnostico Molecular, Hospital Israelita Albert Einstein
Classification: Uncertain significance for Seizures, early-onset, with neurodegeneration and brain calcifications. Last evaluated: 2024-02-29. Review status: criteria provided, single submitter. Criteria: ACMG Guidelines, 2015. Collection method: clinical testing. Allele origin: germline. Affected: yes.
Comment: ACMG classification criteria: BP4 supporting